The following is an entry in ClinVar:

NM_001035.3(RYR2):c.12264C>T (p.His4088=)

Gene: RYR2 (ryanodine receptor 2; plus strand). Cytogenetic location: 1q43.
Variant type: single nucleotide variant.
Coding change: c.12264C>T on transcript NM_001035.3 (MANE Select); coding-DNA position 12264, C replaced by T.
Protein change: p.His4088=; no amino-acid change (histidine 4088 retained).
Molecular consequence: synonymous variant.
Genome position (GRCh38, 1-based): chr1:237,783,976, C>T. VCF-style: chr1-237783976-C-T. GRCh37 (hg19) VCF-style: chr1-237947276-C-T.
Other names: c.12264C>T, p.His4088= (LRG_402t1).
Identifiers: ClinVar variation 628462 (VCV000628462.13), dbSNP rs1558404698, ClinGen allele CA424032067.

ClinVar aggregate classification (germline): Likely benign. Review status: criteria provided, multiple submitters, no conflicts (2 of 4 stars). 4 submissions from 4 submitters: Likely benign (4). Last evaluated 2025-07-09.

Conditions:
Cardiovascular phenotype. Identifiers: MedGen CN230736.
Catecholaminergic polymorphic ventricular tachycardia (CVPT). Also called: Catecholamine-induced polymorphic ventricular tachycardia. Identifiers: Orphanet 3286, MedGen C5574922, MONDO:0017990.
Cardiomyopathy (CMYO). Also called: Cardiomyopathies. Identifiers: Orphanet 167848, MedGen C0878544, MONDO:0004994, HP:0001638. Inheritance: Various modes of inheritance.
Catecholaminergic polymorphic ventricular tachycardia 1. Also called: RYR2-Related Catecholaminergic Polymorphic Ventricular Tachycardia; VENTRICULAR TACHYCARDIA, CATECHOLAMINERGIC POLYMORPHIC, 1, WITH OR WITHOUT ATRIAL DYSFUNCTION AND/OR DILATED CARDIOMYOPATHY; VENTRICULAR TACHYCARDIA, STRESS-INDUCED POLYMORPHIC 1. Identifiers: Orphanet 3286, MedGen C1631597, MONDO:0011484, OMIM 604772.

Submissions (4):

Ambry Genetics
Classification: Likely benign for Cardiovascular phenotype. Last evaluated: 2025-07-09. Review status: criteria provided, single submitter. Criteria: Ambry Variant Classification Scheme 2023. Collection method: clinical testing. Allele origin: germline.

All of Us Research Program, National Institutes of Health
Classification: Likely benign for Catecholaminergic polymorphic ventricular tachycardia. Last evaluated: 2023-09-17. Review status: criteria provided, single submitter. Criteria: ACMG Guidelines, 2015. Collection method: clinical testing. Allele origin: germline. Inheritance: Autosomal dominant inheritance. Observed: 1 variant allele, 1 heterozygote.
Comment: This study involves interpretation of variants in research participants for the purpose of population health screening. Participant phenotype was not available at the time of variant classification. Additional details can be found in publication PMID: 35346344, PMCID: PMC8962531

Labcorp Genetics (formerly Invitae), Labcorp
Classification: Likely benign for Catecholaminergic polymorphic ventricular tachycardia 1. Last evaluated: 2021-10-31. Review status: criteria provided, single submitter. Criteria: Invitae Variant Classification Sherloc (09022015). Collection method: clinical testing. Allele origin: germline.

Color Diagnostics, LLC DBA Color Health
Classification: Likely benign for Cardiomyopathy. Last evaluated: 2018-05-29. Review status: criteria provided, single submitter. Criteria: ACMG Guidelines, 2015. Collection method: clinical testing. Allele origin: germline.